The following is an entry in ClinVar:

NM_001369.3(DNAH5):c.*1389C>T

Gene: DNAH5 (dynein axonemal heavy chain 5; minus strand). Cytogenetic location: 5p15.2.
Variant type: single nucleotide variant.
Coding change: c.*1389C>T on transcript NM_001369.3 (MANE Select); 1389 bases downstream of the stop codon, C replaced by T.
Molecular consequence: 3 prime UTR variant.
Genome position (GRCh38, 1-based): chr5:13,690,595, G>A on the plus strand (C>T on the coding strand, the complement: DNAH5 is on the minus strand). VCF-style: chr5-13690595-G-A. GRCh37 (hg19) VCF-style: chr5-13690704-G-A.
Identifiers: ClinVar variation 350905 (VCV000350905.5), dbSNP rs77701143, ClinGen allele CA10622665.

ClinVar aggregate classification (germline): Likely benign (1 of 4 stars; one submission).

Conditions:
Primary ciliary dyskinesia 3. Identifiers: Orphanet 244, MedGen C1837618, MONDO:0012085, OMIM 608644.

Allele frequency attached by ClinVar (database versions not stated): gnomAD 0.01331 and 0.01404; TOPMed 0.01471; 1000 Genomes Project 0.02117; 1000 Genomes Project 30x 0.02295.

Submission:

Illumina Laboratory Services, Illumina
Classification: Likely benign for Primary ciliary dyskinesia 3. Last evaluated: 2017-04-27. Review status: criteria provided, single submitter. Criteria: ICSL Variant Classification Criteria 13 December 2019. Collection method: clinical testing. Allele origin: germline.
Comment: This variant was observed as part of a predisposition screen in an ostensibly healthy population. A literature search was performed for the gene, cDNA change, and amino acid change (where applicable). No publications were found based on this search. Allele frequency data from public databases allowed determination this variant is unlikely to cause disease. Therefore, this variant is classified as likely benign.